The following is an entry in ClinVar:

NM_005045.4(RELN):c.5756C>A (p.Thr1919Asn)

Gene: RELN (reelin; minus strand). Cytogenetic location: 7q22.1.
Variant type: single nucleotide variant.
Coding change: c.5756C>A on transcript NM_005045.4 (MANE Select); coding-DNA position 5756, C replaced by A.
Protein change: p.Thr1919Asn; replaces threonine 1919 with asparagine.
Molecular consequence: missense variant.
Genome position (GRCh38, 1-based): chr7:103,557,018, G>T on the plus strand (C>A on the coding strand, the complement: RELN is on the minus strand). VCF-style: chr7-103557018-G-T. GRCh37 (hg19) VCF-style: chr7-103197465-G-T.
Other names: c.5756C>A, p.Thr1919Asn (NM_173054.3); short protein forms T1919N.
Identifiers: ClinVar variation 1019511 (VCV001019511.8), dbSNP rs534336272, ClinGen allele CA163907063.
Genomic context (GRCh38, chr7:103,557,018, plus strand): 5'-AGAACACATGCATTTTTACCGTTATTATAAGGTTGCCAGAGTCTGAATCTTGTAGCATTG[G>T]TTTGGGCAGTGTATGGCAAGGGAACATTGATGAAAAGTATATTCGTTGTTTGAGGAAAGT-3'
Protein context (NP_005036.2, residues 1909-1929): INVPLPYTAQ[Thr1919Asn]NATRFRLWQP

ClinVar aggregate classification (germline): Uncertain significance (1 of 4 stars; one submission).

Conditions:
Familial temporal lobe epilepsy 7. Identifiers: Orphanet 101046, MedGen C4225327, MONDO:0014639, OMIM 616436.
Norman-Roberts syndrome (LIS2). Also called: Lissencephaly 2 (Norman-Roberts type). Identifiers: Orphanet 89844, MedGen C0796089, MONDO:0009760, OMIM 257320.

Allele frequency attached by ClinVar (database versions not stated): TOPMed below 0.00001; gnomAD 0.00001.
gnomAD v4.1: 4 of 1,613,712 alleles (0.00025%); highest among the groups gnomAD compares: Non-Finnish European, 0.00034%; no homozygotes.

Submission:

Labcorp Genetics (formerly Invitae), Labcorp
Classification: Uncertain significance for Familial temporal lobe epilepsy 7; Norman-Roberts syndrome. Last evaluated: 2020-07-07. Review status: criteria provided, single submitter. Criteria: Invitae Variant Classification Sherloc (09022015). Collection method: clinical testing. Allele origin: germline.
Comment: In summary, the available evidence is currently insufficient to determine the role of this variant in disease. Therefore, it has been classified as a Variant of Uncertain Significance. This sequence change replaces threonine with asparagine at codon 1919 of the RELN protein (p.Thr1919Asn). The threonine residue is moderately conserved and there is a small physicochemical difference between threonine and asparagine. This variant is not present in population databases (ExAC no frequency). This variant has not been reported in the literature in individuals with RELN-related conditions. Algorithms developed to predict the effect of missense changes on protein structure and function are either unavailable or do not agree on the potential impact of this missense change (SIFT: "Deleterious"; PolyPhen-2: "Benign"; Align-GVGD: "Class C0").